The following is an entry in ClinVar:

NM_015338.6(ASXL1):c.1113G>A (p.Leu371=)

Gene: ASXL1 (ASXL transcriptional regulator 1; plus strand). Cytogenetic location: 20q11.21.
Variant type: single nucleotide variant.
Coding change: c.1113G>A on transcript NM_015338.6 (MANE Select); coding-DNA position 1113, G replaced by A.
Protein change: p.Leu371=; no amino-acid change (leucine 371 retained).
Molecular consequence: synonymous variant.
Genome position (GRCh38, 1-based): chr20:32,433,311, G>A. VCF-style: chr20-32433311-G-A. GRCh37 (hg19) VCF-style: chr20-31021114-G-A.
Other names: c.930G>A, p.Leu310= (NM_001363734.1).
Identifiers: ClinVar variation 3029717 (VCV003029717.3), dbSNP rs1182540278, ClinGen allele CA510465694.

ClinVar aggregate classification (germline): Likely benign. Review status: criteria provided, single submitter (1 of 4 stars). 2 submissions from 2 submitters: Likely benign (1). 1 of the submissions does not count toward it. Last evaluated 2026-02-17.

Conditions:
ASXL1-related disorder. Also called: ASXL1-related condition; ASXL1-related disorders.
Inborn genetic diseases. Identifiers: MedGen C0950123, MeSH D030342.

Allele frequency attached by ClinVar (database versions not stated): gnomAD exomes below 0.00001; TOPMed below 0.00001.
gnomAD v4.1: 2 of 1,614,216 alleles (0.00012%); highest among the groups gnomAD compares: Admixed American, 0.0017%; no homozygotes.

Submissions (2):

Ambry Genetics
Classification: Likely benign for Inborn genetic diseases. Last evaluated: 2026-02-17. Review status: criteria provided, single submitter. Criteria: Ambry Variant Classification Scheme 2023. Collection method: clinical testing. Allele origin: germline.

PreventionGenetics, part of Exact Sciences
Classification: Likely benign for ASXL1-related condition. Last evaluated: 2023-05-08. Review status: no assertion criteria provided. Collection method: clinical testing. Allele origin: germline. Not counted in ClinVar's aggregate classification.
Comment: This variant is classified as likely benign based on ACMG/AMP sequence variant interpretation guidelines (Richards et al. 2015 PMID: 25741868, with internal and published modifications).